The following is an entry in ClinVar:

NM_001101.5(ACTB):c.439C>A (p.Arg147Ser)

Gene: ACTB (actin beta; minus strand). Cytogenetic location: 7p22.1.
Variant type: single nucleotide variant.
Coding change: c.439C>A on transcript NM_001101.5 (MANE Select); coding-DNA position 439, C replaced by A.
Protein change: p.Arg147Ser; replaces arginine 147 with serine.
Molecular consequence: missense variant.
Genome position (GRCh38, 1-based): chr7:5,528,644, G>T on the plus strand (C>A on the coding strand, the complement: ACTB is on the minus strand). VCF-style: chr7-5528644-G-T. GRCh37 (hg19) VCF-style: chr7-5568275-G-T.
Other names: short protein forms R147S.
Identifiers: ClinVar variation 1344710 (VCV001344710.16), dbSNP rs2128241302, ClinGen allele CA366703661.

ClinVar aggregate classification (germline): Pathogenic. Review status: criteria provided, single submitter (1 of 4 stars). 4 submissions from 3 submitters: Pathogenic (1). 3 of the submissions do not count toward it. Last evaluated 2024-08-19.

Conditions:
Congenital smooth muscle hamartoma. Identifiers: Orphanet 263435, MedGen C0406819, MONDO:0016986.
BECKER NEVUS, ISOLATED, SOMATIC, MOSAIC.
CONGENITAL SMOOTH MUSCLE HAMARTOMA WITH HEMIHYPERTROPHY, SOMATIC, MOSAIC.
Becker nevus syndrome (BNS). Identifiers: Orphanet 64755, MedGen C1858042, MONDO:0011500, OMIM 604919.

Submissions (4):

Clinical Genomics Laboratory, Washington University in St. Louis
Classification: Pathogenic for Becker nevus syndrome. Last evaluated: 2024-08-19. Review status: criteria provided, single submitter. Criteria: Leon-Quintero et al. (Clin Genet. 2025). Collection method: clinical testing. Allele origin: somatic. Affected: yes.
Comment: An ACTB c.439C>A (p.Arg147Ser) variant was identified at an allelic fraction consistent with somatic origin. This variant has been reported in several individuals affected with Becker's nevus (Cai ED et al., PMID: 28347698; Dai S et al., PMID: 34944694; Ramspacher J et al., PMID: 35971836) and has been reported as a somatic variant in one case in the cancer database COSMIC (Genomic Mutation ID: COSV59319465). It is absent from the general population (gnomAD v4.1.0), indicating it is not a common variant. This variant has been reported in the ClinVar database as a pathogenic variant by two submitters and a likely pathogenic variant by one submitter (ClinVar ID: 1344710). Computational predictors indicate that the variant is damaging, evidence that correlates with impact on ACTB function. Another variant in the same codon, c.439C>T (p.Arg147Cys), has been reported in multiple individuals affected with Becker's nevus (Cai ED et al., PMID: 28347698; Dai S et al., PMID: 34944694; Ramspacher J et al., PMID: 35971836). Based on available information and an internally developed protocol informed by the ACMG/AMP guidelines for variant interpretation (Leon-Quintero FZ et al., PMID: 39434542), the ACTB c.439C>A (p.Arg147Ser) variant is classified as pathogenic.

OMIM
Classification: Pathogenic for BECKER NEVUS, ISOLATED, SOMATIC, MOSAIC. Last evaluated: 2023-08-11. Review status: no assertion criteria provided. Collection method: literature only. Allele origin: somatic. Not counted in ClinVar's aggregate classification.

OMIM
Classification: Pathogenic for CONGENITAL SMOOTH MUSCLE HAMARTOMA WITH HEMIHYPERTROPHY, SOMATIC, MOSAIC. Last evaluated: 2023-08-11. Review status: no assertion criteria provided. Collection method: literature only. Allele origin: somatic. Not counted in ClinVar's aggregate classification.

Yale Center for Mendelian Genomics, Yale University
Classification: Likely pathogenic for Congenital smooth muscle hamartoma. Last evaluated: 2020-03-14. Review status: no assertion criteria provided. Collection method: literature only. Allele origin: somatic. Affected: yes. Observed: 2 heterozygotes. Study: Yale Center for Mendelian Genomics. Not counted in ClinVar's aggregate classification.

Literature cited by the submitters: PubMed 28347698 (cited by OMIM); PubMed 32170967 (cited by OMIM and Yale Center for Mendelian Genomics, Yale University).